The following is an entry in ClinVar:

NM_178857.6(RP1L1):c.4826G>A (p.Arg1609His)

Gene: RP1L1 (RP1 like 1). Cytogenetic location: 8p23.1.
Variant type: single nucleotide variant.
Coding change: c.4826G>A on transcript NM_178857.6 (MANE Select); coding-DNA position 4826, G replaced by A.
Protein change: p.Arg1609His; replaces arginine 1609 with histidine.
Molecular consequence: missense variant.
Genome position (GRCh38, 1-based): chr8:10,609,272, C>T on the plus strand (G>A on the coding strand, the complement: RP1L1 is on the minus strand). VCF-style: chr8-10609272-C-T. GRCh37 (hg19) VCF-style: chr8-10466782-C-T.
Other names: short protein forms R1609H.
Identifiers: ClinVar variation 2409873 (VCV002409873.6), dbSNP rs559915808, ClinGen allele CA4623874.
Genomic context (GRCh38, chr8:10,609,272, plus strand): 5'-AGGGGCCCCAGGCCCAGGGTCCGCTCAGAGAAGGCCGAGAGGTTTCGCAGGCCCCGGAGA[C>T]GGTGTCTGCGCTGCTGGGTCTGCAGGAGCAGCTCCCCGGTGAGGGCCTCCCTTGGAGGCT-3'
Protein context (NP_849188.4, residues 1599-1619): LLLQTQQRRH[Arg1609His]LRGLRNLSAF

ClinVar aggregate classification (germline): Conflicting classifications of pathogenicity. Review status: criteria provided, conflicting classifications (1 of 4 stars). 4 submissions from 4 submitters: Uncertain significance (3); Likely benign (1). Last evaluated 2026-03-23.

Conditions:
Inborn genetic diseases. Identifiers: MedGen C0950123, MeSH D030342.
RP1L1-related disorder. Also called: RP1L1-related condition.
Occult macular dystrophy (OCMD). Also called: OCCULT MACULAR DYSTROPHY, SUSCEPTIBILITY TO; OMD. Identifiers: Orphanet 247834, MedGen C3150833, MONDO:0013316, OMIM 613587, HP:0030636.
Retinitis pigmentosa 88. Identifiers: MedGen C5394208, MONDO:0032940, OMIM 618826.

Allele frequency attached by ClinVar (database versions not stated): TOPMed 0.00005; gnomAD 0.00007; gnomAD exomes 0.00009; ExAC 0.00018; 1000 Genomes Project 30x 0.00047; 1000 Genomes Project 0.00060.
gnomAD v4.1: 146 of 1,609,600 alleles (0.0091%); highest among the groups gnomAD compares: South Asian, 0.12%; 1 homozygote.

Submissions (4):

PreventionGenetics, part of Exact Sciences
Classification: Uncertain significance for RP1L1-related condition. Last evaluated: 2026-03-23. Review status: criteria provided, single submitter. Criteria: ACMG Guidelines, 2015. Collection method: clinical testing. Allele origin: germline.
Comment: The RP1L1 c.4826G>A variant is predicted to result in the amino acid substitution p.Arg1609His. To our knowledge, this variant has not been reported in the literature. This variant is reported in 0.12% of alleles in individuals of South Asian descent in gnomAD. Although we suspect that this variant may be benign, at this time, the clinical significance of this variant is uncertain due to the absence of conclusive functional and genetic evidence.

Ambry Genetics
Classification: Uncertain significance for Inborn genetic diseases. Last evaluated: 2025-05-20. Review status: criteria provided, single submitter. Criteria: Ambry Variant Classification Scheme 2023. Collection method: clinical testing. Allele origin: germline.

Blueprint Genetics
Classification: Likely benign. Last evaluated: 2023-09-18. Review status: criteria provided, single submitter. Criteria: ACMG Guidelines, 2015. Collection method: clinical testing. Allele origin: germline.

Department of Pathology and Laboratory Medicine, Sinai Health System
Classification: Uncertain significance for Occult macular dystrophy; Retinitis pigmentosa 88. Last evaluated: 2021-09-16. Review status: criteria provided, single submitter. Criteria: ACMG Guidelines, 2015. Collection method: research. Allele origin: germline.